The following is an entry in ClinVar:

NM_022773.4(LMF1):c.1474G>A (p.Ala492Thr)

Gene: LMF1 (lipase maturation factor 1; minus strand). Cytogenetic location: 16p13.3.
Variant type: single nucleotide variant.
Coding change: c.1474G>A on transcript NM_022773.4 (MANE Select); coding-DNA position 1474, G replaced by A.
Protein change: p.Ala492Thr; replaces alanine 492 with threonine.
Molecular consequence: missense variant. On other transcripts: non-coding transcript variant (1).
Genome position (GRCh38, 1-based): chr16:868,999, C>T on the plus strand (G>A on the coding strand, the complement: LMF1 is on the minus strand). VCF-style: chr16-868999-C-T. GRCh37 (hg19) VCF-style: chr16-918999-C-T.
Other names: c.823G>A, p.Ala275Thr (NM_001352017.2, NM_001352021.2); c.1075G>A, p.Ala359Thr (NM_001352018.2); c.1147G>A, p.Ala383Thr (NM_001352019.2); c.1394G>A, p.Arg465His (NM_001352020.1); short protein forms A383T, A492T, R465H, A359T, A275T.
Identifiers: ClinVar variation 2562230 (VCV002562230.2), dbSNP rs775754688, ClinGen allele CA7796956.

ClinVar aggregate classification (germline): Uncertain significance (1 of 4 stars; one submission).

Conditions:
Cardiovascular phenotype. Identifiers: MedGen CN230736.

Allele frequency attached by ClinVar (database versions not stated): gnomAD 0.00001; gnomAD exomes 0.00001; TOPMed 0.00001; ExAC 0.00002.
gnomAD v4.1: 18 of 1,612,462 alleles (0.0011%); highest among the groups gnomAD compares: African/African-American, 0.004%; no homozygotes.

Submission:

Ambry Genetics
Classification: Uncertain significance for Cardiovascular phenotype. Last evaluated: 2023-03-26. Review status: criteria provided, single submitter. Criteria: Ambry Variant Classification Scheme 2023. Collection method: clinical testing. Allele origin: germline.
Comment: The p.A492T variant (also known as c.1474G>A), located in coding exon 10 of the LMF1 gene, results from a G to A substitution at nucleotide position 1474. The alanine at codon 492 is replaced by threonine, an amino acid with similar properties. This amino acid position is conserved. In addition, this alteration is predicted to be tolerated by in silico analysis. Since supporting evidence is limited at this time, the clinical significance of this alteration remains unclear.